The following is an entry in ClinVar:

NM_005402.4(RALA):c.38C>T (p.Ala13Val)

Gene: RALA (RAS like proto-oncogene A; plus strand). Cytogenetic location: 7p14.1.
Variant type: single nucleotide variant.
Coding change: c.38C>T on transcript NM_005402.4 (MANE Select); coding-DNA position 38, C replaced by T.
Protein change: p.Ala13Val; replaces alanine 13 with valine.
Molecular consequence: missense variant.
Genome position (GRCh38, 1-based): chr7:39,686,705, C>T. VCF-style: chr7-39686705-C-T. GRCh37 (hg19) VCF-style: chr7-39726304-C-T.
Other names: short protein forms A13V.
Identifiers: ClinVar variation 1367953 (VCV001367953.8), dbSNP rs2116069724, ClinGen allele CA367304479.
Genomic context (GRCh38, chr7:39,686,705, plus strand): 5'-TTTGGTGAAAACTGAGACACAAAATGGCTGCAAATAAGCCCAAGGGTCAGAATTCTTTGG[C>T]TTTACACAAAGTCATCATGGTGGGCAGTGGTGGCGTGGGCAAGTCAGCTCTGACTCTACA-3'
Protein context (NP_005393.2, residues 3-23): ANKPKGQNSL[Ala13Val]LHKVIMVGSG

ClinVar aggregate classification (germline): Uncertain significance (1 of 4 stars; one submission).

Allele frequency attached by ClinVar (database versions not stated): gnomAD exomes 0.00001.
gnomAD v4.1: 11 of 1,614,132 alleles (0.00068%); highest among the groups gnomAD compares: Non-Finnish European, 0.00093%; no homozygotes.

Submission:

Labcorp Genetics (formerly Invitae), Labcorp
Classification: Uncertain significance. Last evaluated: 2023-10-03. Review status: criteria provided, single submitter. Criteria: Invitae Variant Classification Sherloc (09022015). Collection method: clinical testing. Allele origin: germline.
Comment: This sequence change replaces alanine, which is neutral and non-polar, with valine, which is neutral and non-polar, at codon 13 of the RALA protein (p.Ala13Val). This variant is not present in population databases (gnomAD no frequency). This variant has not been reported in the literature in individuals affected with RALA-related conditions. ClinVar contains an entry for this variant (Variation ID: 1367953). Advanced modeling of protein sequence and biophysical properties (such as structural, functional, and spatial information, amino acid conservation, physicochemical variation, residue mobility, and thermodynamic stability) performed at Invitae indicates that this missense variant is not expected to disrupt RALA protein function. In summary, the available evidence is currently insufficient to determine the role of this variant in disease. Therefore, it has been classified as a Variant of Uncertain Significance.